The following is an entry in ClinVar:

NM_054027.6(ANKH):c.700A>G (p.Ile234Val)

Gene: ANKH (ANKH inorganic pyrophosphate transport regulator; minus strand). Cytogenetic location: 5p15.2.
Variant type: single nucleotide variant.
Coding change: c.700A>G on transcript NM_054027.6 (MANE Select); coding-DNA position 700, A replaced by G.
Protein change: p.Ile234Val; replaces isoleucine 234 with valine.
Molecular consequence: missense variant.
Genome position (GRCh38, 1-based): chr5:14,749,294, T>C on the plus strand (A>G on the coding strand, the complement: ANKH is on the minus strand). VCF-style: chr5-14749294-T-C. GRCh37 (hg19) VCF-style: chr5-14749403-T-C.
Other names: short protein forms I234V.
Identifiers: ClinVar variation 4745331 (VCV004745331.1).

ClinVar aggregate classification (germline): Uncertain significance (1 of 4 stars; one submission).

gnomAD v4.1: 1 of 1,614,238 alleles (0.000062%); highest among the groups gnomAD compares: Middle Eastern, 0.016%; no homozygotes.

Submission:

Labcorp Genetics (formerly Invitae), Labcorp
Classification: Uncertain significance. Last evaluated: 2025-03-22. Review status: criteria provided, single submitter. Criteria: Invitae Variant Classification Sherloc (09022015). Collection method: clinical testing. Allele origin: germline.
Comment: This sequence change replaces isoleucine, which is neutral and non-polar, with valine, which is neutral and non-polar, at codon 234 of the ANKH protein (p.Ile234Val). This variant is not present in population databases (gnomAD no frequency). This variant has not been reported in the literature in individuals affected with ANKH-related conditions. Invitae Evidence Modeling of protein sequence and biophysical properties (such as structural, functional, and spatial information, amino acid conservation, physicochemical variation, residue mobility, and thermodynamic stability) indicates that this missense variant is not expected to disrupt ANKH protein function with a negative predictive value of 80%. In summary, the available evidence is currently insufficient to determine the role of this variant in disease. Therefore, it has been classified as a Variant of Uncertain Significance.